The following is an entry in ClinVar:

NM_181523.3(PIK3R1):c.9T>C (p.Ala3=)

Gene: PIK3R1 (phosphoinositide-3-kinase regulatory subunit 1; plus strand). Cytogenetic location: 5q13.1.
Variant type: single nucleotide variant.
Coding change: c.9T>C on transcript NM_181523.3 (MANE Select); coding-DNA position 9, T replaced by C.
Protein change: p.Ala3=; no amino-acid change (alanine 3 retained).
Molecular consequence: synonymous variant.
Genome position (GRCh38, 1-based): chr5:68,226,684, T>C. VCF-style: chr5-68226684-T-C. GRCh37 (hg19) VCF-style: chr5-67522512-T-C.
Identifiers: ClinVar variation 1591013 (VCV001591013.22), dbSNP rs1447146494, ClinGen allele CA444676407.

ClinVar aggregate classification (germline): Likely benign. Review status: criteria provided, multiple submitters, no conflicts (2 of 4 stars). 2 submissions from 2 submitters: Likely benign (2). Last evaluated 2024-09-01.

Conditions:
Agammaglobulinemia 7, autosomal recessive (AGM7). Also called: AGAMMAGLOBULINEMIA, AUTOSOMAL RECESSIVE, DUE TO PIK3R1 DEFECT. Identifiers: MedGen C3554689, MONDO:0014083, OMIM 615214.
Immunodeficiency 36 with lymphoproliferation. Also called: ACTIVATED PI3K-DELTA SYNDROME 2; Immunodeficiency 36; Activated PI3K Delta Syndrome Type 2 (APDS2). Identifiers: Orphanet 397596, Orphanet 693681, MedGen C4014934, MONDO:0014453, OMIM 616005.
SHORT syndrome. Also called: PIK3R1-Related SHORT Syndrome; LIPODYSTROPHY, PARTIAL, WITH RIEGER ANOMALY AND SHORT STATURE; SHORT STATURE, HYPEREXTENSIBILITY, HERNIA, OCULAR DEPRESSION, RIEGER ANOMALY, AND TEETHING DELAY. Identifiers: Orphanet 3163, MedGen C0878684, MONDO:0010026, OMIM 269880.

Allele frequency attached by ClinVar (database versions not stated): gnomAD 0.00001; gnomAD exomes 0.00001; TOPMed 0.00001.
gnomAD v4.1: 14 of 1,612,464 alleles (0.00087%); highest among the groups gnomAD compares: East Asian, 0.0022%; no homozygotes.

Submissions (2):

CeGaT Center for Human Genetics Tuebingen
Classification: Likely benign. Last evaluated: 2024-09-01. Review status: criteria provided, single submitter. Criteria: CeGaT Center For Human Genetics Tuebingen Variant Classification Criteria Version 2. Collection method: clinical testing. Allele origin: germline. Affected: yes. Observed: 1 variant allele.
Comment: PIK3R1: BP4, BP7

Labcorp Genetics (formerly Invitae), Labcorp
Classification: Likely benign for SHORT syndrome; Immunodeficiency 36 with lymphoproliferation; Agammaglobulinemia 7, autosomal recessive. Last evaluated: 2023-09-03. Review status: criteria provided, single submitter. Criteria: Invitae Variant Classification Sherloc (09022015). Collection method: clinical testing. Allele origin: germline.